The following is an entry in ClinVar:

ClinVar aggregate classification (germline): Uncertain significance (1 of 4 stars; one submission).

Submission:

GeneDx
Classification: Uncertain significance. Last evaluated: 2026-03-24. Review status: criteria provided, single submitter. Criteria: GeneDx Variant Classification Process June 2021. Collection method: clinical testing. Allele origin: germline.
Comment: Not observed at significant frequency in large population cohorts (gnomAD); In silico analysis supports that this missense variant has a deleterious effect on protein structure/function; Has not been previously published as pathogenic or benign to our knowledge

NM_001394062.1(MACF1):c.4459T>G (p.Leu1487Val)

Gene: MACF1 (microtubule actin crosslinking factor 1; plus strand). Cytogenetic location: 1p34.3.
Variant type: single nucleotide variant.
Coding change: c.4459T>G on transcript NM_001394062.1 (MANE Select); coding-DNA position 4459, T replaced by G.
Protein change: p.Leu1487Val; replaces leucine 1487 with valine.
Molecular consequence: missense variant.
Genome position (GRCh38, 1-based): chr1:39,324,715, T>G. VCF-style: chr1-39324715-T-G. GRCh37 (hg19) VCF-style: chr1-39790387-T-G.
Other names: c.4474T>G, p.Leu1492Val (NM_012090.5); short protein forms L1487V, L1492V.
Identifiers: ClinVar variation 5017410 (VCV005017410.1).